The following is an entry in ClinVar:

ClinVar aggregate classification (germline): Pathogenic. Review status: criteria provided, single submitter (1 of 4 stars). 2 submissions from 1 submitter: Pathogenic (1). 1 of the submissions does not count toward it. Last evaluated 2018-02-27.

Conditions:
Telangiectasia, hereditary hemorrhagic, type 2 (HHT2). Also called: ACVRL1-Related Hereditary Hemorrhagic Telangiectasia; Telangiectasia, hereditary hemorrhagic, type II. Identifiers: Orphanet 774, MedGen C1838163, MONDO:0010880, OMIM 600376. Disease mechanism: loss of function.

Submissions (2):

Labcorp Genetics (formerly Invitae), Labcorp
Classification: Pathogenic for Telangiectasia, hereditary hemorrhagic, type 2. Last evaluated: 2018-02-27. Review status: criteria provided, single submitter. Criteria: Invitae Variant Classification Sherloc (09022015). Collection method: clinical testing. Allele origin: germline.
Comment: For these reasons, this variant has been classified as Pathogenic. Retrotransposon insertions including LINE1 (L1), Alu, and SVA (SINE-VNTR-Alu) have been reported to be disease-causing through disruption of either a coding region or splice site (PMID: 19763152, 20307669, 22406018) and loss-of-function variants in ACVRL1 are known to be pathogenic (PMID: 15879500). This sequence change is an Alu-mediated insertion in exon 6 of the ACVRL1 mRNA (c.684_685insAlu), causing a frameshift at codon 229 (p.Lys229fs). The exact size and sequence of the insertion cannot be determined by the current assay. However, the insertion is expected to result in an absent or disrupted protein product.

Labcorp Genetics (formerly Invitae), Labcorp
Classification: Pathogenic. Last evaluated: 2018-03-05. Review status: flagged submission. Criteria: Invitae Variant Classification Sherloc (09022015). Collection method: clinical testing. Allele origin: germline. Not counted in ClinVar's aggregate classification.
Comment: This sequence change is an Alu-mediated insertion in exon 5 of the FH mRNA (c.603_604insAlu), causing a frameshift at codon 201 (p.Ile201fs). The exact size and sequence of the insertion cannot be determined by the current assay. However, the insertion is expected to result in an absent or disrupted protein product. This variant is not present in population databases (ExAC no frequency). Retrotransposon insertions including LINE1 (L1), Alu, and SVA (SINE-VNTR-Alu) have been reported to be disease-causing through disruption of either a coding region or splice site (PMID:¬†19763152,¬†20307669,¬†22406018). Although this variant has not been reported in the literature, loss-of-function variants in FH are known to be pathogenic (PMID: 11865300, 21398687). For these reasons, this variant has been classified as Pathogenic.
ClinVar note: Reason: This record appears to be redundant with a more recent record from the same submitter.
ClinVar note: Notes: SCV001588184 appears to be redundant with SCV001586065.

Literature cited by the submitters: PubMed 19763152; PubMed 20307669; PubMed 22406018; PubMed 15879500; PubMed 11865300; PubMed 21398687.

NC_000012.11:g.52308281_52308282insAlu

Gene: ACVRL1 (activin A receptor like type 1; plus strand). Cytogenetic location: 12q13.13.
Variant type: Insertion.
Identifiers: ClinVar variation 1073109 (VCV001073109.6).